The following is an entry in ClinVar:

ClinVar aggregate classification (germline): Pathogenic (1 of 4 stars; one submission).

Conditions:
Charcot-Marie-Tooth disease type 4. Also called: Charcot-Marie-Tooth disease, type IV; Charcot-Marie-Tooth, Type 4. Identifiers: Orphanet 64749, MedGen C4082197, MONDO:0018995.

Submission:

Labcorp Genetics (formerly Invitae), Labcorp
Classification: Pathogenic for Charcot-Marie-Tooth disease type 4. Last evaluated: 2022-02-24. Review status: criteria provided, single submitter. Criteria: Invitae Variant Classification Sherloc (09022015). Collection method: clinical testing. Allele origin: germline.
Comment: This variant is a gross deletion of the genomic region encompassing exon(s) 4 of the FIG4 gene. This deletion is out-of-frame, and is expected to create a premature termination codon and result in an absent or disrupted protein product. Loss-of-function variants in FIG4 are known to be pathogenic (PMID: 23623387). For these reasons, this variant has been classified as Pathogenic. This variant has not been reported in the literature in individuals affected with FIG4-related conditions.

Literature cited by the submitters: PubMed 23623387.

NC_000006.11:g.(?_110048292)_(110053276_?)del

Gene: FIG4 (FIG4 phosphoinositide 5-phosphatase; plus strand). Cytogenetic location: 6q21.
Variant type: Deletion.
Identifiers: ClinVar variation 1460151 (VCV001460151.5).